The following is an entry in ClinVar:

NM_006158.5(NEFL):c.443T>A (p.Leu148Gln)

Gene: NEFL (neurofilament light chain; minus strand). Cytogenetic location: 8p21.2.
Variant type: single nucleotide variant.
Coding change: c.443T>A on transcript NM_006158.5 (MANE Select); coding-DNA position 443, T replaced by A.
Protein change: p.Leu148Gln; replaces leucine 148 with glutamine.
Molecular consequence: missense variant.
Genome position (GRCh38, 1-based): chr8:24,956,073, A>T on the plus strand (T>A on the coding strand, the complement: NEFL is on the minus strand). VCF-style: chr8-24956073-A-T. GRCh37 (hg19) VCF-style: chr8-24813587-A-T.
Other names: short protein forms L148Q.
Identifiers: ClinVar variation 653948 (VCV000653948.7), dbSNP rs1338365987, ClinGen allele CA370622373.

ClinVar aggregate classification (germline): Uncertain significance. Review status: criteria provided, multiple submitters, no conflicts (2 of 4 stars). 3 submissions from 3 submitters: Uncertain significance (3). Last evaluated 2025-12-06.

Conditions:
Charcot-Marie-Tooth disease type 2E (CMT2E). Also called: CHARCOT-MARIE-TOOTH DISEASE, AXONAL, TYPE 2E; CHARCOT-MARIE-TOOTH NEUROPATHY, TYPE 2E. Identifiers: Orphanet 99939, MedGen C1843225, MONDO:0011894, OMIM 607684.

Allele frequency attached by ClinVar (database versions not stated): gnomAD exomes below 0.00001 and 0.00001.

Submissions (3):

Labcorp Genetics (formerly Invitae), Labcorp
Classification: Uncertain significance for Charcot-Marie-Tooth disease type 2E. Last evaluated: 2025-12-06. Review status: criteria provided, single submitter. Criteria: Invitae Variant Classification Sherloc (09022015). Collection method: clinical testing. Allele origin: germline.
Comment: This sequence change replaces leucine, which is neutral and non-polar, with glutamine, which is neutral and polar, at codon 148 of the NEFL protein (p.Leu148Gln). This variant is present in population databases (no rsID available, gnomAD 0.001%). This variant has not been reported in the literature in individuals affected with NEFL-related conditions. ClinVar contains an entry for this variant (Variation ID: 653948). Invitae Evidence Modeling of protein sequence and biophysical properties (such as structural, functional, and spatial information, amino acid conservation, physicochemical variation, residue mobility, and thermodynamic stability) indicates that this missense variant is not expected to disrupt NEFL protein function with a negative predictive value of 80%. In summary, the available evidence is currently insufficient to determine the role of this variant in disease. Therefore, it has been classified as a Variant of Uncertain Significance.

Blueprint Genetics
Classification: Uncertain significance. Last evaluated: 2024-05-29. Review status: criteria provided, single submitter. Criteria: ACMG Guidelines, 2015. Collection method: clinical testing. Allele origin: germline.

GeneDx
Classification: Uncertain significance. Last evaluated: 2022-05-27. Review status: criteria provided, single submitter. Criteria: GeneDx Variant Classification Process June 2021. Collection method: clinical testing. Allele origin: germline. Affected: yes.
Comment: In silico analysis supports that this missense variant does not alter protein structure/function; Has not been previously published as pathogenic or benign to our knowledge